The following is an entry in ClinVar:

ClinVar aggregate classification (germline): Uncertain significance. Review status: criteria provided, single submitter (1 of 4 stars). 2 submissions from 2 submitters: Uncertain significance (1). 1 of the submissions does not count toward it. Last evaluated 2025-10-21.

Conditions:
Hereditary factor XI deficiency disease. Also called: PLASMA THROMBOPLASTIN ANTECEDENT DEFICIENCY; PTA DEFICIENCY; ROSENTHAL SYNDROME; Congenital factor XI deficiency. Identifiers: Orphanet 329, MedGen C0015523, MeSH D005173, MONDO:0012897, OMIM 612416.

Allele frequency attached by ClinVar (database versions not stated): gnomAD exomes 0.00001.
gnomAD v4.1: 17 of 1,609,150 alleles (0.0011%); highest among the groups gnomAD compares: East Asian, 0.02%; no homozygotes.

Submissions (2):

Myriad Genetics, Inc.
Classification: Uncertain significance for Hereditary factor XI deficiency disease. Last evaluated: 2025-10-21. Review status: criteria provided, single submitter. Criteria: Myriad Autosomal Dominant, Autosomal Recessive and X-Linked Classification Criteria (2023). Collection method: clinical testing. Allele origin: unknown.
Comment: NM_000128.3(F11):c.1578C>G(D526E) is a missense variant classified as a variant of uncertain significance in the context of factor XI deficiency. D526E has been observed in a case with relevant disease (PMID: 21668437). Relevant functional assessments of this variant are not available in the literature. D526E has been observed in referenced population frequency databases. In summary, there is insufficient evidence to classify NM_000128.3(F11):c.1578C>G(D526E) as pathogenic or benign. Please note: this variant was assessed in the context of healthy population screening.

UniProtKB/Swiss-Prot
No classification provided. Review status: no classification provided. Collection method: not provided. Allele origin: not provided. Not counted in ClinVar's aggregate classification.

Literature cited by the submitters: PubMed 21668437 (cited by Myriad Genetics, Inc.).

NM_000128.4(F11):c.1578C>G (p.Asp526Glu)

Genes: F11-AS1 (F11 antisense RNA 1; minus strand), F11 (coagulation factor XI; plus strand). Cytogenetic location: 4q35.2.
Variant type: single nucleotide variant.
Coding change: c.1578C>G on transcript NM_000128.4 (MANE Select); coding-DNA position 1578, C replaced by G.
Protein change: p.Asp526Glu; replaces aspartic acid 526 with glutamic acid.
Molecular consequence: missense variant.
Genome position (GRCh38, 1-based): chr4:186,287,685, C>G. VCF-style: chr4-186287685-C-G. GRCh37 (hg19) VCF-style: chr4-187208839-C-G.
Other names: short protein forms D526E.
Identifiers: ClinVar variation 68184 (VCV000068184.2), dbSNP rs281875263, ClinGen allele CA219124.